The following is an entry in ClinVar:

ClinVar aggregate classification (germline): Uncertain significance (1 of 4 stars; one submission).

Conditions:
Cardiovascular phenotype. Identifiers: MedGen CN230736.

gnomAD v4.1: 2 of 1,550,964 alleles (0.00013%); highest among the groups gnomAD compares: Admixed American, 0.002%; no homozygotes.

Submission:

Ambry Genetics
Classification: Uncertain significance for Cardiovascular phenotype. Last evaluated: 2022-10-02. Review status: criteria provided, single submitter. Criteria: Ambry Variant Classification Scheme 2023. Collection method: clinical testing. Allele origin: germline.
Comment: The p.Q3849E variant (also known as c.11545C>G), located in coding exon 2 of the ZNF469 gene, results from a C to G substitution at nucleotide position 11545. The glutamine at codon 3849 is replaced by glutamic acid, an amino acid with highly similar properties. This amino acid position is conserved. In addition, this alteration is predicted to be tolerated by in silico analysis. Since supporting evidence is limited at this time, the clinical significance of this alteration remains unclear.

NM_001367624.2(ZNF469):c.11629C>G (p.Gln3877Glu)

Gene: ZNF469 (zinc finger protein 469; plus strand). Cytogenetic location: 16q24.2.
Variant type: single nucleotide variant.
Coding change: c.11629C>G on transcript NM_001367624.2 (MANE Select); coding-DNA position 11629, C replaced by G.
Protein change: p.Gln3877Glu; replaces glutamine 3877 with glutamic acid.
Molecular consequence: missense variant.
Genome position (GRCh38, 1-based): chr16:88,439,099, C>G. VCF-style: chr16-88439099-C-G. GRCh37 (hg19) VCF-style: chr16-88505507-C-G.
Other names: NM_001127464.1:c.11545C>G; short protein forms Q3877E.
Identifiers: ClinVar variation 1734809 (VCV001734809.2), dbSNP rs1297899547, ClinGen allele CA397130751.